The following is an entry in ClinVar:

NM_001999.4(FBN2):c.49G>A (p.Gly17Ser)

Gene: FBN2 (fibrillin 2; minus strand). Cytogenetic location: 5q23.3.
Variant type: single nucleotide variant.
Coding change: c.49G>A on transcript NM_001999.4 (MANE Select); coding-DNA position 49, G replaced by A.
Protein change: p.Gly17Ser; replaces glycine 17 with serine.
Molecular consequence: missense variant.
Genome position (GRCh38, 1-based): chr5:128,537,555, C>T on the plus strand (G>A on the coding strand, the complement: FBN2 is on the minus strand). VCF-style: chr5-128537555-C-T. GRCh37 (hg19) VCF-style: chr5-127873248-C-T.
Other names: short protein forms G17S.
Identifiers: ClinVar variation 426767 (VCV000426767.8), dbSNP rs1085307788, ClinGen allele CA360763286.

ClinVar aggregate classification (germline): Conflicting classifications of pathogenicity. Review status: criteria provided, conflicting classifications (1 of 4 stars). 2 submissions from 2 submitters: Uncertain significance (1); Likely benign (1). Last evaluated 2025-12-20.

Conditions:
Congenital contractural arachnodactyly (CCA). Also called: Arthrogryposis, distal, type 9; BEALS SYNDROME; Beals-Hecht syndrome. Identifiers: Orphanet 115, MedGen C0220668, MONDO:0007363, OMIM 121050.

Allele frequency attached by ClinVar (database versions not stated): gnomAD exomes 0.00001; gnomAD 0.00002 and 0.00003; TOPMed 0.00002.
gnomAD v4.1: 15 of 1,602,186 alleles (0.00094%); highest among the groups gnomAD compares: African/African-American, 0.0013%; no homozygotes.

Submissions (2):

Labcorp Genetics (formerly Invitae), Labcorp
Classification: Likely benign for Congenital contractural arachnodactyly. Last evaluated: 2025-12-20. Review status: criteria provided, single submitter. Criteria: Invitae Variant Classification Sherloc (09022015). Collection method: clinical testing. Allele origin: germline.

GeneDx
Classification: Uncertain significance. Last evaluated: 2024-09-16. Review status: criteria provided, single submitter. Criteria: GeneDx Variant Classification Process June 2021. Collection method: clinical testing. Allele origin: germline. Affected: yes.
Comment: Has not been previously published as pathogenic or benign to our knowledge; Not observed at significant frequency in large population cohorts (gnomAD); In silico analysis indicates that this missense variant does not alter protein structure/function